The following is an entry in ClinVar:

NM_015338.6(ASXL1):c.4226C>T (p.Pro1409Leu)

Gene: ASXL1 (ASXL transcriptional regulator 1; plus strand). Cytogenetic location: 20q11.21.
Variant type: single nucleotide variant.
Coding change: c.4226C>T on transcript NM_015338.6 (MANE Select); coding-DNA position 4226, C replaced by T.
Protein change: p.Pro1409Leu; replaces proline 1409 with leucine.
Molecular consequence: missense variant.
Genome position (GRCh38, 1-based): chr20:32,436,938, C>T. VCF-style: chr20-32436938-C-T. GRCh37 (hg19) VCF-style: chr20-31024741-C-T.
Other names: c.4043C>T, p.Pro1348Leu (NM_001363734.1); short protein forms P1348L, P1409L.
Identifiers: ClinVar variation 5030565 (VCV005030565.1).

ClinVar aggregate classification (germline): Uncertain significance (1 of 4 stars; one submission).

Conditions:
Inborn genetic diseases. Identifiers: MedGen C0950123, MeSH D030342.

Submission:

Ambry Genetics
Classification: Uncertain significance for Inborn genetic diseases. Last evaluated: 2026-09-08. Review status: criteria provided, single submitter. Criteria: Ambry Variant Classification Scheme 2023. Collection method: clinical testing. Allele origin: germline.
Comment: The p.P1409L variant (also known as c.4226C>T), located in coding exon 13 of the ASXL1 gene, results from a C to T substitution at nucleotide position 4226. The proline at codon 1409 is replaced by leucine, an amino acid with similar properties. This amino acid position is conserved. In addition, the in silico prediction for this alteration is inconclusive. Based on the available evidence, the clinical significance of this variant remains unclear.